The following is an entry in ClinVar:

NM_000218.3(KCNQ1):c.1793dup (p.Val599fs)

Gene: KCNQ1 (potassium voltage-gated channel subfamily Q member 1; plus strand). Cytogenetic location: 11p15.5.
Variant type: Duplication.
Coding change: c.1793dup on transcript NM_000218.3 (MANE Select); coding-DNA position 1793, one base duplicated (A; older notation c.1793dupA).
Protein change: p.Val599fs; shifts the reading frame from valine 599.
Molecular consequence: frameshift variant.
Genome position (GRCh38, 1-based): chr11:2,778,036, A duplicated; the last of 2 consecutive A bases (chr11:2,778,035-2,778,036); duplicating either gives the same sequence. VCF-style (leftmost placement, unchanged base first): chr11-2778034-C-CA. GRCh37 (hg19) VCF-style: chr11-2799264-C-CA.
Other names: c.1697dup, p.Val567fs (NM_001406836.1); c.1523dup, p.Val509fs (NM_001406837.1); c.1253dup, p.Val419fs (NM_001406838.1); c.305dup, p.Val103fs (NM_001406839.1); c.1412dup, p.Val472fs (NM_181798.2); short protein forms V472fs, V103fs, V419fs, V567fs, V599fs, V509fs.
Identifiers: ClinVar variation 4719475 (VCV004719475.1).

ClinVar aggregate classification (germline): Pathogenic (1 of 4 stars; one submission).

Conditions:
Long QT syndrome (LQTS). Identifiers: MedGen C0023976, MeSH D008133, MONDO:0002442. Disease mechanism: loss of function. Inheritance: Various modes of inheritance.

Submission:

Labcorp Genetics (formerly Invitae), Labcorp
Classification: Pathogenic for Long QT syndrome. Last evaluated: 2025-08-17. Review status: criteria provided, single submitter. Criteria: Invitae Variant Classification Sherloc (09022015). Collection method: clinical testing. Allele origin: germline.
Comment: This sequence change creates a premature translational stop signal (p.Val599Glyfs*53) in the KCNQ1 gene. While this is not anticipated to result in nonsense mediated decay, it is expected to disrupt the last 78 amino acid(s) of the KCNQ1 protein. This variant is not present in population databases (gnomAD no frequency). This premature translational stop signal has been observed in individual(s) with clinical features of long QT syndrome (internal data). This variant disrupts a region of the KCNQ1 protein in which other variant(s) (p.Arg632Glnfs*20) have been determined to be pathogenic (PMID: 10024302, 16981927, 19825999, 23098067, 23631430, 25187895). This suggests that this is a clinically significant region of the protein, and that variants that disrupt it are likely to be disease-causing. For these reasons, this variant has been classified as Pathogenic.

Literature cited by the submitters: PubMed 10024302; PubMed 16981927; PubMed 19825999; PubMed 23098067; PubMed 23631430; PubMed 25187895.